The following is an entry in ClinVar:

ClinVar aggregate classification (germline): Likely benign (1 of 4 stars; one submission).

Submission:

CeGaT Center for Human Genetics Tuebingen
Classification: Likely benign. Last evaluated: 2025-08-01. Review status: criteria provided, single submitter. Criteria: CeGaT Center For Human Genetics Tuebingen Variant Classification Criteria Version 2. Collection method: clinical testing. Allele origin: germline. Affected: yes. Observed: 1 variant allele.
Comment: SMARCA4: PM2:Supporting, BP4, BP7

NM_003072.5(SMARCA4):c.3727C>A (p.Arg1243=)

Gene: SMARCA4 (SWI/SNF related BAF chromatin remodeling complex subunit ATPase 4; plus strand). Cytogenetic location: 19p13.2.
Variant type: single nucleotide variant.
Coding change: c.3727C>A on transcript NM_003072.5 (MANE Select); coding-DNA position 3727, C replaced by A.
Protein change: p.Arg1243=; no amino-acid change (arginine 1243 retained).
Molecular consequence: synonymous variant. On other transcripts: non-coding transcript variant (1).
Genome position (GRCh38, 1-based): chr19:11,033,470, C>A. VCF-style: chr19-11033470-C-A. GRCh37 (hg19) VCF-style: chr19-11144146-C-A.
Other names: c.3727C>A, p.Arg1243= (NM_001128844.3, NM_001128845.2, NM_001128846.2 and 6 more transcripts).
Identifiers: ClinVar variation 4085790 (VCV004085790.8).